The following is an entry in ClinVar:

NM_004973.4(JARID2):c.1541A>G (p.His514Arg)

Gene: JARID2 (jumonji and AT-rich interaction domain containing 2; plus strand). Cytogenetic location: 6p22.3.
Variant type: single nucleotide variant.
Coding change: c.1541A>G on transcript NM_004973.4 (MANE Select); coding-DNA position 1541, A replaced by G.
Protein change: p.His514Arg; replaces histidine 514 with arginine.
Molecular consequence: missense variant.
Genome position (GRCh38, 1-based): chr6:15,496,766, A>G. VCF-style: chr6-15496766-A-G. GRCh37 (hg19) VCF-style: chr6-15496997-A-G.
Other names: c.1025A>G, p.His342Arg (NM_001267040.1); c.1541A>G (NM_004973.3); short protein forms H514R, H342R.
Identifiers: ClinVar variation 2286534 (VCV002286534.4), dbSNP rs978015538, ClinGen allele CA134809487.

ClinVar aggregate classification (germline): Uncertain significance. Review status: criteria provided, multiple submitters, no conflicts (2 of 4 stars). 2 submissions from 2 submitters: Uncertain significance (2). Last evaluated 2025-06-19.

Conditions:
Inborn genetic diseases. Identifiers: MedGen C0950123, MeSH D030342.

Submissions (2):

Ambry Genetics
Classification: Uncertain significance for Inborn genetic diseases. Last evaluated: 2025-06-19. Review status: criteria provided, single submitter. Criteria: Ambry Variant Classification Scheme 2023. Collection method: clinical testing. Allele origin: germline.

GeneDx
Classification: Uncertain significance. Last evaluated: 2023-03-01. Review status: criteria provided, single submitter. Criteria: GeneDx Variant Classification Process June 2021. Collection method: clinical testing. Allele origin: germline. Affected: yes.
Comment: Not observed at significant frequency in large population cohorts (gnomAD); In silico analysis supports that this missense variant does not alter protein structure/function; Has not been previously published as pathogenic or benign to our knowledge